The following is an entry in ClinVar:

NM_182476.3(COQ6):c.637G>A (p.Gly213Arg)

Genes: COQ6 (coenzyme Q6, monooxygenase; plus strand), ENTPD5 (ectonucleoside triphosphate diphosphohydrolase 5; minus strand). Cytogenetic location: 14q24.3.
Variant type: single nucleotide variant.
Coding change: c.637G>A on transcript NM_182476.3 (MANE Select); coding-DNA position 637, G replaced by A.
Protein change: p.Gly213Arg; replaces glycine 213 with arginine.
Molecular consequence: missense variant. On other transcripts: 3 prime UTR variant (3), intron variant (2).
Genome position (GRCh38, 1-based): chr14:73,958,995, G>A. VCF-style: chr14-73958995-G-A. GRCh37 (hg19) VCF-style: chr14-74425698-G-A.
Other names: c.*535C>T (NM_001330189.2, NM_001382259.1, NM_001382260.1); c.1201-3408C>T (NM_001382258.1); c.1201-3167C>T (NM_001382262.1); c.637G>A, p.Gly213Arg (NM_001425255.1, NM_001425256.1); c.472G>A, p.Gly158Arg (NM_001425257.1); c.562G>A, p.Gly188Arg (NM_001425258.1, NM_182480.3); c.412G>A, p.Gly138Arg (NM_001425259.1, NM_001425260.1, NM_001425261.1); c.382G>A, p.Gly128Arg (NM_001425262.1); and 2 more; short protein forms G213R, G188R.
Identifiers: ClinVar variation 1461886 (VCV001461886.5), dbSNP rs746166667, ClinGen allele CA7264267.

ClinVar aggregate classification (germline): Uncertain significance. Review status: criteria provided, multiple submitters, no conflicts (2 of 4 stars). 2 submissions from 2 submitters: Uncertain significance (2). Last evaluated 2024-04-08.

Conditions:
Familial steroid-resistant nephrotic syndrome with sensorineural deafness. Identifiers: Orphanet 280406, MedGen C3553349, MONDO:0013836, OMIM 614650.

Allele frequency attached by ClinVar (database versions not stated): TOPMed 0.00002; gnomAD exomes 0.00004 and 0.00003; gnomAD 0.00003; ExAC 0.00002.
gnomAD v4.1: 55 of 1,613,958 alleles (0.0034%); highest among the groups gnomAD compares: Non-Finnish European, 0.0043%; 1 homozygote.

Submissions (2):

Fulgent Genetics
Classification: Uncertain significance for Familial steroid-resistant nephrotic syndrome with sensorineural deafness. Last evaluated: 2024-04-08. Review status: criteria provided, single submitter. Criteria: ACMG Guidelines, 2015. Collection method: clinical testing. Allele origin: germline.

Labcorp Genetics (formerly Invitae), Labcorp
Classification: Uncertain significance. Last evaluated: 2022-06-08. Review status: criteria provided, single submitter. Criteria: Invitae Variant Classification Sherloc (09022015). Collection method: clinical testing. Allele origin: germline.
Comment: This sequence change replaces glycine, which is neutral and non-polar, with arginine, which is basic and polar, at codon 213 of the COQ6 protein (p.Gly213Arg). This variant is present in population databases (rs746166667, gnomAD 0.006%). This variant has not been reported in the literature in individuals affected with COQ6-related conditions. Algorithms developed to predict the effect of missense changes on protein structure and function (SIFT, PolyPhen-2, Align-GVGD) all suggest that this variant is likely to be tolerated. Algorithms developed to predict the effect of sequence changes on RNA splicing suggest that this variant may create or strengthen a splice site. In summary, the available evidence is currently insufficient to determine the role of this variant in disease. Therefore, it has been classified as a Variant of Uncertain Significance.